The following is an entry in ClinVar:

ClinVar aggregate classification (germline): Uncertain significance (1 of 4 stars; one submission).

Conditions:
Inborn genetic diseases. Identifiers: MedGen C0950123, MeSH D030342.

gnomAD v4.1: 3 of 1,591,396 alleles (0.00019%); highest among the groups gnomAD compares: South Asian, 0.0011%; no homozygotes.

Submission:

Ambry Genetics
Classification: Uncertain significance for Inborn genetic diseases. Last evaluated: 2025-04-20. Review status: criteria provided, single submitter. Criteria: Ambry Variant Classification Scheme 2023. Collection method: clinical testing. Allele origin: germline.
Comment: The p.G365C variant (also known as c.1093G>T), located in coding exon 8 of the RUNX1 gene, results from a G to T substitution at nucleotide position 1093. The glycine at codon 365 is replaced by cysteine, an amino acid with highly dissimilar properties. This amino acid position is conserved. In addition, this alteration is predicted to be deleterious by in silico analysis. Based on the available evidence, the clinical significance of this variant remains unclear.

NM_001754.5(RUNX1):c.1093G>T (p.Gly365Cys)

Gene: RUNX1 (RUNX family transcription factor 1; minus strand). Cytogenetic location: 21q22.12.
Variant type: single nucleotide variant.
Coding change: c.1093G>T on transcript NM_001754.5 (MANE Select); coding-DNA position 1093, G replaced by T.
Protein change: p.Gly365Cys; replaces glycine 365 with cysteine.
Molecular consequence: missense variant.
Genome position (GRCh38, 1-based): chr21:34,792,485, C>A on the plus strand (G>T on the coding strand, the complement: RUNX1 is on the minus strand). VCF-style: chr21-34792485-C-A. GRCh37 (hg19) VCF-style: chr21-36164782-C-A.
Other names: c.1012G>T, p.Gly338Cys (NM_001001890.3); short protein forms G338C, G365C.
Identifiers: ClinVar variation 3948869 (VCV003948869.1).